The following is an entry in ClinVar:

NM_004441.5(EPHB1):c.81G>A (p.Thr27=)

Gene: EPHB1 (EPH receptor B1; plus strand). Cytogenetic location: 3q22.2.
Variant type: single nucleotide variant.
Coding change: c.81G>A on transcript NM_004441.5 (MANE Select); coding-DNA position 81, G replaced by A.
Protein change: p.Thr27=; no amino-acid change (threonine 27 retained).
Molecular consequence: synonymous variant.
Genome position (GRCh38, 1-based): chr3:134,925,838, G>A. VCF-style: chr3-134925838-G-A. GRCh37 (hg19) VCF-style: chr3-134644680-G-A.
Identifiers: ClinVar variation 2654167 (VCV002654167.24), dbSNP rs370590244, ClinGen allele CA2629548.

ClinVar aggregate classification (germline): Likely benign (1 of 4 stars; one submission).

Allele frequency attached by ClinVar (database versions not stated): gnomAD 0.00006; ESP Exome Variant Server 0.00008; gnomAD exomes 0.00008; ExAC 0.00009; TOPMed 0.00010.
gnomAD v4.1: 122 of 1,603,678 alleles (0.0076%); highest among the groups gnomAD compares: Middle Eastern, 0.017%; no homozygotes.

Submission:

CeGaT Center for Human Genetics Tuebingen
Classification: Likely benign. Last evaluated: 2023-02-01. Review status: criteria provided, single submitter. Criteria: CeGaT Center For Human Genetics Tuebingen Variant Classification Criteria Version 2. Collection method: clinical testing. Allele origin: germline. Affected: yes. Observed: 1 variant allele.
Comment: EPHB1: BP4, BP7